The following is an entry in ClinVar:

ClinVar aggregate classification (germline): Uncertain significance (1 of 4 stars; one submission).

Submission:

Ambry Genetics
Classification: Uncertain significance. Last evaluated: 2026-04-12. Review status: criteria provided, single submitter. Criteria: Ambry Variant Classification Scheme 2023. Collection method: clinical testing. Allele origin: germline.
Comment: The p.N762D variant (also known as c.2284A>G), located in coding exon 5 of the CDK12 gene, results from an A to G substitution at nucleotide position 2284. The asparagine at codon 762 is replaced by aspartic acid, an amino acid with highly similar properties. This amino acid position is conserved. In addition, this alteration is predicted to be tolerated by in silico analysis. Based on the available evidence, the clinical significance of this variant remains unclear.

NM_016507.4(CDK12):c.2284A>G (p.Asn762Asp)

Gene: CDK12 (cyclin dependent kinase 12; plus strand). Cytogenetic location: 17q12.
Variant type: single nucleotide variant.
Coding change: c.2284A>G on transcript NM_016507.4 (MANE Select); coding-DNA position 2284, A replaced by G.
Protein change: p.Asn762Asp; replaces asparagine 762 with aspartic acid.
Molecular consequence: missense variant.
Genome position (GRCh38, 1-based): chr17:39,494,559, A>G. VCF-style: chr17-39494559-A-G. GRCh37 (hg19) VCF-style: chr17-37650812-A-G.
Other names: c.2284A>G, p.Asn762Asp (NM_015083.4); short protein forms N762D.
Identifiers: ClinVar variation 4868487 (VCV004868487.1).
Genomic context (GRCh38, chr17:39,494,559, plus strand): 5'-TAACAGTTTACATTTGTTTTGGCAGGAGAACTAGTGGCTCTGAAGAAGGTGAGACTAGAC[A>G]ATGAGAAAGAGGGCTTCCCAATCACAGCCATTCGTGAAATCAAAATCCTTCGTCAGTTAA-3'
Protein context (NP_057591.2, residues 752-772): LVALKKVRLD[Asn762Asp]EKEGFPITAI